The following is an entry in ClinVar:

ClinVar aggregate classification (germline): Uncertain significance. Review status: criteria provided, multiple submitters, no conflicts (2 of 4 stars). 2 submissions from 2 submitters: Uncertain significance (2). Last evaluated 2021-09-23.

Conditions:
Inborn genetic diseases. Identifiers: MedGen C0950123, MeSH D030342.
Mosaic variegated aneuploidy syndrome 1 (MVA1). Also called: Warburton-Anyane-Yeboa syndrome. Identifiers: Orphanet 1052, MedGen C1850343, MONDO:0009759, OMIM 257300.

Allele frequency attached by ClinVar (database versions not stated): gnomAD exomes below 0.00001; gnomAD 0.00001; TOPMed 0.00001.
gnomAD v4.1: 9 of 1,614,082 alleles (0.00056%); highest among the groups gnomAD compares: Non-Finnish European, 0.00068%; no homozygotes.

Submissions (2):

Ambry Genetics
Classification: Uncertain significance for Inborn genetic diseases. Last evaluated: 2021-09-23. Review status: criteria provided, single submitter. Criteria: Ambry Variant Classification Scheme 2023. Collection method: clinical testing. Allele origin: germline.
Comment: The p.N269S variant (also known as c.806A>G), located in coding exon 7 of the BUB1B gene, results from an A to G substitution at nucleotide position 806. The asparagine at codon 269 is replaced by serine, an amino acid with highly similar properties. This amino acid position is conserved. In addition, this alteration is predicted to be tolerated by in silico analysis. Since supporting evidence is limited at this time, the clinical significance of this alteration remains unclear.

Labcorp Genetics (formerly Invitae), Labcorp
Classification: Uncertain significance for Mosaic variegated aneuploidy syndrome 1. Last evaluated: 2021-08-30. Review status: criteria provided, single submitter. Criteria: Invitae Variant Classification Sherloc (09022015). Collection method: clinical testing. Allele origin: germline.
Comment: This sequence change replaces asparagine with serine at codon 269 of the BUB1B protein (p.Asn269Ser). The asparagine residue is moderately conserved and there is a small physicochemical difference between asparagine and serine. This variant is not present in population databases (ExAC no frequency). This variant has not been reported in the literature in individuals affected with BUB1B-related conditions. Algorithms developed to predict the effect of missense changes on protein structure and function (SIFT, PolyPhen-2, Align-GVGD) all suggest that this variant is likely to be tolerated. In summary, the available evidence is currently insufficient to determine the role of this variant in disease. Therefore, it has been classified as a Variant of Uncertain Significance.

NM_001211.6(BUB1B):c.806A>G (p.Asn269Ser)

Gene: BUB1B (BUB1 mitotic checkpoint serine/threonine kinase B; plus strand). Cytogenetic location: 15q15.1.
Variant type: single nucleotide variant.
Coding change: c.806A>G on transcript NM_001211.6 (MANE Select); coding-DNA position 806, A replaced by G.
Protein change: p.Asn269Ser; replaces asparagine 269 with serine.
Molecular consequence: missense variant.
Genome position (GRCh38, 1-based): chr15:40,185,219, A>G. VCF-style: chr15-40185219-A-G. GRCh37 (hg19) VCF-style: chr15-40477420-A-G.
Other names: short protein forms N269S.
Identifiers: ClinVar variation 662963 (VCV000662963.9), dbSNP rs1429987495, ClinGen allele CA391684078.
Genomic context (GRCh38, chr15:40,185,219, plus strand): 5'-TCCTAGCTCCAAGCCAGAACAGAGGACTCCAAAATCCATTTCCTCAACAGATGCAAAATA[A>G]TAGTAGAATTACTGTTTTTGATGAAAATGCTGATGAGGCTTCTACAGCAGAGTTGTCTAA-3'
Protein context (NP_001202.5, residues 259-279): QNPFPQQMQN[Asn269Ser]SRITVFDENA